The following is an entry in ClinVar:

NM_004329.3(BMPR1A):c.1448_1456del (p.Val483_Arg486delinsGly)

Gene: BMPR1A (bone morphogenetic protein receptor type 1A; plus strand). Cytogenetic location: 10q23.2.
Variant type: Deletion.
Coding change: c.1448_1456del on transcript NM_004329.3 (MANE Select); coding-DNA positions 1448 to 1456, 9 bases deleted (TGTCTAATC; older notation c.1448_1456delTGTCTAATC).
Protein change: p.Val483_Arg486delinsGly.
Molecular consequence: inframe indel. On other transcripts: non-coding transcript variant (3).
Genome position (GRCh38, 1-based): chr10:86,923,481-86,923,489, TGTCTAATC deleted. VCF-style (leftmost placement, unchanged base first): chr10-86923480-GTGTCTAATC-G. GRCh37 (hg19) VCF-style: chr10-88683237-GTGTCTAATC-G.
Other names: c.1448_1456del, p.Val483_Arg486delinsGly (NM_001406577.1, NM_001406578.1, NM_001406579.1 and 19 more transcripts); c.1442_1450del, p.Val481_Arg484delinsGly (NM_001406583.1); c.1364_1372del, p.Val455_Arg458delinsGly (NM_001406584.1, NM_001406585.1, NM_001406586.1 and 2 more transcripts); c.1106_1114del, p.Val369_Arg372delinsGly (NM_001406589.1); c.1523_1531del, p.Val508_Arg511delinsGly (NM_001406559.1); c.1496_1504del, p.Val499_Arg502delinsGly (NM_001406560.1).
Identifiers: ClinVar variation 3655850 (VCV003655850.2).

ClinVar aggregate classification (germline): Uncertain significance (1 of 4 stars; one submission).

Conditions:
Juvenile polyposis syndrome (JPS). Identifiers: Orphanet 2929, MedGen C0345893, MONDO:0017380, OMIM 174900.

Submission:

Labcorp Genetics (formerly Invitae), Labcorp
Classification: Uncertain significance for Juvenile polyposis syndrome. Last evaluated: 2024-06-07. Review status: criteria provided, single submitter. Criteria: Invitae Variant Classification Sherloc (09022015). Collection method: clinical testing. Allele origin: germline.
Comment: This variant, c.1448_1456del, results in the deletion of 4 and the insertion of 1 amino acid(s) of the BMPR1A protein (p.Val483_Arg486delinsGly), but otherwise preserves the integrity of the reading frame. This variant is not present in population databases (gnomAD no frequency). This variant has not been reported in the literature in individuals affected with BMPR1A-related conditions. In summary, the available evidence is currently insufficient to determine the role of this variant in disease. Therefore, it has been classified as a Variant of Uncertain Significance.